The following is an entry in ClinVar:

NM_004646.4(NPHS1):c.713-10T>C

Gene: NPHS1 (NPHS1 adhesion molecule, nephrin; minus strand). Cytogenetic location: 19q13.12.
Variant type: single nucleotide variant.
Coding change: c.713-10T>C on transcript NM_004646.4 (MANE Select); 10 bases into the intron before coding-DNA position 713, T replaced by C.
Molecular consequence: intron variant.
Genome position (GRCh38, 1-based): chr19:35,849,373, A>G on the plus strand (T>C on the coding strand, the complement: NPHS1 is on the minus strand). VCF-style: chr19-35849373-A-G. GRCh37 (hg19) VCF-style: chr19-36340275-A-G.
Other names: c.713-10T>C (NM_004646.3).
Identifiers: ClinVar variation 2140899 (VCV002140899.6), dbSNP rs372079888, ClinGen allele CA9390680.

ClinVar aggregate classification (germline): Conflicting classifications of pathogenicity. Review status: criteria provided, conflicting classifications (1 of 4 stars). 3 submissions from 3 submitters: Uncertain significance (1); Likely benign (2). Last evaluated 2025-09-19.

Conditions:
NPHS1-related disorder. Also called: NPHS1-related condition.
Finnish congenital nephrotic syndrome (NPHS1). Also called: NEPHROTIC SYNDROME, TYPE 1. Identifiers: Orphanet 839, MedGen C0403399, MONDO:0009732, OMIM 256300.

Allele frequency attached by ClinVar (database versions not stated): gnomAD exomes 0.00002; ExAC 0.00003; gnomAD 0.00011; TOPMed 0.00014; ESP Exome Variant Server 0.00015.
gnomAD v4.1: 39 of 1,609,932 alleles (0.0024%); highest among the groups gnomAD compares: African/African-American, 0.049%; no homozygotes.

Submissions (3):

Labcorp Genetics (formerly Invitae), Labcorp
Classification: Likely benign. Last evaluated: 2025-09-19. Review status: criteria provided, single submitter. Criteria: Invitae Variant Classification Sherloc (09022015). Collection method: clinical testing. Allele origin: germline.

PreventionGenetics, part of Exact Sciences
Classification: Likely benign for NPHS1-related condition. Last evaluated: 2025-09-14. Review status: criteria provided, single submitter. Criteria: ACMG Guidelines, 2015. Collection method: clinical testing. Allele origin: germline.
Comment: This variant is classified as likely benign based on ACMG/AMP sequence variant interpretation guidelines (Richards et al. 2015 PMID: 25741868, with internal and published modifications).

Fulgent Genetics
Classification: Uncertain significance for Finnish congenital nephrotic syndrome. Last evaluated: 2024-04-16. Review status: criteria provided, single submitter. Criteria: ACMG Guidelines, 2015. Collection method: clinical testing. Allele origin: germline.